The following is an entry in ClinVar:

ClinVar aggregate classification (germline): Uncertain significance. Review status: criteria provided, multiple submitters, no conflicts (2 of 4 stars). 2 submissions from 2 submitters: Uncertain significance (2). Last evaluated 2025-05-14.

Conditions:
Inborn genetic diseases. Identifiers: MedGen C0950123, MeSH D030342.

Allele frequency attached by ClinVar (database versions not stated): gnomAD 0.00024; ExAC 0.00006; ESP Exome Variant Server 0.00032.
gnomAD v4.1: 58 of 1,613,750 alleles (0.0036%); highest among the groups gnomAD compares: African/African-American, 0.072%; no homozygotes.

Submissions (2):

Ambry Genetics
Classification: Uncertain significance for Inborn genetic diseases. Last evaluated: 2025-05-14. Review status: criteria provided, single submitter. Criteria: Ambry Variant Classification Scheme 2023. Collection method: clinical testing. Allele origin: germline.

Labcorp Genetics (formerly Invitae), Labcorp
Classification: Uncertain significance. Last evaluated: 2023-10-13. Review status: criteria provided, single submitter. Criteria: Invitae Variant Classification Sherloc (09022015). Collection method: clinical testing. Allele origin: germline.
Comment: This sequence change replaces threonine, which is neutral and polar, with asparagine, which is neutral and polar, at codon 405 of the RETREG1 protein (p.Thr405Asn). This variant is present in population databases (rs377117770, gnomAD 0.1%). This variant has not been reported in the literature in individuals affected with RETREG1-related conditions. ClinVar contains an entry for this variant (Variation ID: 1799771). Advanced modeling of protein sequence and biophysical properties (such as structural, functional, and spatial information, amino acid conservation, physicochemical variation, residue mobility, and thermodynamic stability) performed at Invitae indicates that this missense variant is not expected to disrupt RETREG1 protein function. In summary, the available evidence is currently insufficient to determine the role of this variant in disease. Therefore, it has been classified as a Variant of Uncertain Significance.

NM_001034850.3(RETREG1):c.1214C>A (p.Thr405Asn)

Gene: RETREG1 (reticulophagy regulator 1; minus strand). Cytogenetic location: 5p15.1.
Variant type: single nucleotide variant.
Coding change: c.1214C>A on transcript NM_001034850.3 (MANE Select); coding-DNA position 1214, C replaced by A.
Protein change: p.Thr405Asn; replaces threonine 405 with asparagine.
Molecular consequence: missense variant.
Genome position (GRCh38, 1-based): chr5:16,475,021, G>T on the plus strand (C>A on the coding strand, the complement: RETREG1 is on the minus strand). VCF-style: chr5-16475021-G-T. GRCh37 (hg19) VCF-style: chr5-16475130-G-T.
Other names: c.791C>A, p.Thr264Asn (NM_019000.5); short protein forms T264N, T405N.
Identifiers: ClinVar variation 1799771 (VCV001799771.6), dbSNP rs377117770, ClinGen allele CA3210231.